The following is an entry in ClinVar:

NM_001127511.3(APC):c.-88T>C

Gene: APC (APC regulator of Wnt signaling pathway; plus strand). Cytogenetic location: 5q22.2.
Variant type: single nucleotide variant.
Coding change: c.-88T>C on transcript NM_001127511.3; 88 bases upstream of the start codon, T replaced by C.
Molecular consequence: 5 prime UTR variant. On other transcripts: non-coding transcript variant (2).
Genome position (GRCh38, 1-based): chr5:112,707,630, T>C. VCF-style: chr5-112707630-T-C. GRCh37 (hg19) VCF-style: chr5-112043327-T-C.
Other names: c.-271T>C (NM_001354895.2, NM_001407447.1, NM_001407452.1 and 3 more transcripts); c.-88T>C (NM_001354897.2, NM_001354902.2, NM_001407446.1); c.-38T>C (NM_001407448.1, NM_001407450.1, NM_001407457.1 and 1 more transcripts); c.-62T>C (NM_001407453.1); c.-1306T>C (NM_001407470.1, NM_001407472.1).
Identifiers: ClinVar variation 1926597 (VCV001926597.4), dbSNP rs531931776, ClinGen allele CA2580072309.

ClinVar aggregate classification (germline): Uncertain significance (1 of 4 stars; one submission).

Conditions:
Familial adenomatous polyposis 1 (FAP1). Also called: FAMILIAL ADENOMATOUS POLYPOSIS 1, ATTENUATED; POLYPOSIS, ADENOMATOUS INTESTINAL. Identifiers: MedGen C2713442, MONDO:0021056, OMIM 175100. Disease mechanism: loss of function.

Submission:

Labcorp Genetics (formerly Invitae), Labcorp
Classification: Uncertain significance for Familial adenomatous polyposis 1. Last evaluated: 2022-05-29. Review status: criteria provided, single submitter. Criteria: Invitae Variant Classification Sherloc (09022015). Collection method: clinical testing. Allele origin: germline.
Comment: In summary, the available evidence is currently insufficient to determine the role of this variant in disease. Therefore, it has been classified as a Variant of Uncertain Significance. This variant occurs in a non-coding region of the APC gene. It does not change the encoded amino acid sequence of the APC protein. This variant is not present in population databases (gnomAD no frequency). This variant has not been reported in the literature in individuals affected with APC-related conditions. Experimental studies and prediction algorithms are not available or were not evaluated, and the functional significance of this variant is currently unknown.